The following is an entry in ClinVar:

NM_001127178.3(PIGG):c.2078A>G (p.His693Arg)

Gene: PIGG (phosphatidylinositol glycan anchor biosynthesis class G (EMM blood group); plus strand). Cytogenetic location: 4p16.3.
Variant type: single nucleotide variant.
Coding change: c.2078A>G on transcript NM_001127178.3 (MANE Select); coding-DNA position 2078, A replaced by G.
Protein change: p.His693Arg; replaces histidine 693 with arginine.
Molecular consequence: missense variant. On other transcripts: non-coding transcript variant (10).
Genome position (GRCh38, 1-based): chr4:527,047, A>G. VCF-style: chr4-527047-A-G. GRCh37 (hg19) VCF-style: chr4-520836-A-G.
Other names: c.1811A>G, p.His604Arg (NM_001289051.2, NM_001345986.2); c.1679A>G, p.His560Arg (NM_001289052.2); c.1787A>G, p.His596Arg (NM_001345987.2); c.1049A>G, p.His350Arg (NM_001345988.2); c.545A>G, p.His182Arg (NM_001345990.2, NM_001345991.2); c.980A>G, p.His327Arg (NM_001345994.2); c.2054A>G, p.His685Arg (NM_017733.5); short protein forms H182R, H327R, H350R, H560R, H596R, H604R, H685R, H693R.
Identifiers: ClinVar variation 1022542 (VCV001022542.4), dbSNP rs376309515, ClinGen allele CA91069803.
Genomic context (GRCh38, chr4:527,047, plus strand): 5'-GATCTTGTCGCTGTTTGTTTACGTAATGCTGGCATTTTCCATCTCATTTCAGCTCTGACC[A>G]CAAAGCCGAGCTCTCTGTCCTGGCTGCCCTCTCCCTCCTCGTAGTTTTTGTGCTGGTGCA-3'
Protein context (NP_001120650.1, residues 683-703): DLGHWLTSSD[His693Arg]KAELSVLAAL

ClinVar aggregate classification (germline): Uncertain significance (1 of 4 stars; one submission).

Conditions:
Intellectual disability, autosomal recessive 53 (NEDHSCA). Also called: NEURODEVELOPMENTAL DISORDER WITH OR WITHOUT HYPOTONIA, SEIZURES, AND CEREBELLAR ATROPHY; GLYCOSYLPHOSPHATIDYLINOSITOL BIOSYNTHESIS DEFECT 13; Mental retardation, autosomal recessive 53. Identifiers: Orphanet 488635, MedGen C4310794, MONDO:0014832, OMIM 616917.

Allele frequency attached by ClinVar (database versions not stated): gnomAD exomes below 0.00001; TOPMed 0.00002; gnomAD 0.00003 and 0.00004; ESP Exome Variant Server 0.00008.
gnomAD v4.1: 10 of 1,613,990 alleles (0.00062%); highest among the groups gnomAD compares: African/African-American, 0.011%; no homozygotes.

Submission:

Labcorp Genetics (formerly Invitae), Labcorp
Classification: Uncertain significance for Intellectual disability, autosomal recessive 53. Last evaluated: 2022-10-13. Review status: criteria provided, single submitter. Criteria: Invitae Variant Classification Sherloc (09022015). Collection method: clinical testing. Allele origin: germline.
Comment: This sequence change replaces histidine, which is basic and polar, with arginine, which is basic and polar, at codon 693 of the PIGG protein (p.His693Arg). This variant is present in population databases (rs376309515, gnomAD 0.01%). This variant has not been reported in the literature in individuals affected with PIGG-related conditions. ClinVar contains an entry for this variant (Variation ID: 1022542). Algorithms developed to predict the effect of missense changes on protein structure and function are either unavailable or do not agree on the potential impact of this missense change (SIFT: "Tolerated"; PolyPhen-2: "Probably Damaging"; Align-GVGD: "Class C0"). In summary, the available evidence is currently insufficient to determine the role of this variant in disease. Therefore, it has been classified as a Variant of Uncertain Significance.